The following is an entry in ClinVar:

NM_001322934.2(NFKB2):c.2544_2547delinsCCTCGG (p.Arg848fs)

Gene: NFKB2 (nuclear factor kappa B subunit 2; plus strand). Cytogenetic location: 10q24.32.
Variant type: Indel.
Coding change: c.2544_2547delinsCCTCGG on transcript NM_001322934.2 (MANE Select); coding-DNA positions 2544 to 2547, GGGT replaced by CCTCGG.
Protein change: p.Arg848fs; shifts the reading frame from arginine 848.
Molecular consequence: frameshift variant.
Genome position (GRCh38, 1-based): chr10:102,402,125-102,402,128, GGGT replaced by CCTCGG. VCF-style: chr10-102402125-GGGT-CCTCGG. GRCh37 (hg19) VCF-style: chr10-104161882-GGGT-CCTCGG.
Other names: c.2544_2547delinsCCTCGG, p.Arg848fs (LRG_1347t1, NM_001077494.3, NM_001261403.3 and 2 more transcripts); c.2418_2421delinsCCTCGG, p.Arg806fs (NM_001322935.1); short protein forms R806fs, R848fs.
Identifiers: ClinVar variation 647595 (VCV000647595.6), dbSNP rs1589873803, ClinGen allele CA915947553.
Genomic context (GRCh38, chr10:102,402,125, plus strand): 5'-GGCAGGTCTACTGGAGGCCCTGTCTGACATGGGCCTAGAGGAGGGAGTGAGGCTGCTGAG[GGGT>CCTCGG]CCAGAAACCCGAGACAAGCTGCCCAGCACAGGTAAAGGGGCCTCCCTGGAAGGTGGATCT-3'

ClinVar aggregate classification (germline): Uncertain significance (1 of 4 stars; one submission).

Conditions:
Immunodeficiency, common variable, 10. Also called: IMMUNODEFICIENCY, COMMON VARIABLE, WITH CENTRAL ADRENAL INSUFFICIENCY; DEFICIT IN ANTERIOR PITUITARY FUNCTION AND VARIABLE IMMUNODEFICIENCY. Identifiers: MedGen C3809991, MONDO:0014260, OMIM 615577.

Submission:

Labcorp Genetics (formerly Invitae), Labcorp
Classification: Uncertain significance for Immunodeficiency, common variable, 10. Last evaluated: 2022-07-06. Review status: criteria provided, single submitter. Criteria: Invitae Variant Classification Sherloc (09022015). Collection method: clinical testing. Allele origin: germline.
Comment: This sequence change creates a premature translational stop signal (p.Arg848Serfs*16) in the NFKB2 gene. While this is not anticipated to result in nonsense mediated decay, it is expected to disrupt the last 53 amino acid(s) of the NFKB2 protein. This variant is not present in population databases (gnomAD no frequency). This variant has not been reported in the literature in individuals affected with NFKB2-related conditions. Experimental studies and prediction algorithms are not available or were not evaluated, and the functional significance of this variant is currently unknown. In summary, the available evidence is currently insufficient to determine the role of this variant in disease. Therefore, it has been classified as a Variant of Uncertain Significance.